The following is an entry in ClinVar:

ClinVar aggregate classification (germline): Uncertain significance (1 of 4 stars; one submission).

gnomAD v4.1: 8 of 1,609,704 alleles (0.0005%); highest among the groups gnomAD compares: East Asian, 0.0022%; no homozygotes.

Submission:

Labcorp Genetics (formerly Invitae), Labcorp
Classification: Uncertain significance. Last evaluated: 2025-12-23. Review status: criteria provided, single submitter. Criteria: Invitae Variant Classification Sherloc (09022015). Collection method: clinical testing. Allele origin: germline.
Comment: This sequence change replaces arginine, which is basic and polar, with glutamine, which is neutral and polar, at codon 545 of the ERBB2 protein (p.Arg545Gln). This variant is present in population databases (rs150203173, gnomAD 0.007%). This variant has not been reported in the literature in individuals affected with ERBB2-related conditions. Invitae Evidence Modeling of protein sequence and biophysical properties (such as structural, functional, and spatial information, amino acid conservation, physicochemical variation, residue mobility, and thermodynamic stability) indicates that this missense variant is not expected to disrupt ERBB2 protein function with a negative predictive value of 80%. In summary, the available evidence is currently insufficient to determine the role of this variant in disease. Therefore, it has been classified as a Variant of Uncertain Significance.

NM_004448.4(ERBB2):c.1634G>A (p.Arg545Gln)

Gene: ERBB2 (erb-b2 receptor tyrosine kinase 2; plus strand). Cytogenetic location: 17q12.
Variant type: single nucleotide variant.
Coding change: c.1634G>A on transcript NM_004448.4 (MANE Select); coding-DNA position 1634, G replaced by A.
Protein change: p.Arg545Gln; replaces arginine 545 with glutamine.
Molecular consequence: missense variant. On other transcripts: non-coding transcript variant (1), intron variant (1).
Genome position (GRCh38, 1-based): chr17:39,716,421, G>A. VCF-style: chr17-39716421-G-A. GRCh37 (hg19) VCF-style: chr17-37872674-G-A.
Other names: c.1544G>A, p.Arg515Gln (NM_001005862.3, NM_001289938.2, NM_001382782.1 and 1 more transcripts); c.1589G>A, p.Arg530Gln (NM_001289936.2); c.1634G>A, p.Arg545Gln (NM_001289937.2, NM_001382785.1, NM_001382790.1 and 11 more transcripts); c.1751G>A, p.Arg584Gln (NM_001382784.1, NM_001382786.1); c.1709G>A, p.Arg570Gln (NM_001382787.1); c.1664G>A, p.Arg555Gln (NM_001382788.1); c.1655G>A, p.Arg552Gln (NM_001382789.1); c.1625G>A, p.Arg542Gln (NM_001382791.1); and 4 more; short protein forms R269Q, R485Q, R552Q, R555Q, R584Q, R530Q, R542Q, R459Q.
Identifiers: ClinVar variation 4748772 (VCV004748772.1).